The following is an entry in ClinVar:

ClinVar aggregate classification (germline): Benign/Likely benign. Review status: criteria provided, multiple submitters, no conflicts (2 of 4 stars). 3 submissions from 3 submitters: Benign (1); Likely benign (2). Last evaluated 2026-05-15.

Conditions:
Hereditary cancer-predisposing syndrome. Also called: Hereditary neoplastic syndrome; Neoplastic Syndromes, Hereditary; Tumor predisposition; Hereditary Cancer Syndrome. Identifiers: Orphanet 140162, MedGen C0027672, MeSH D009386, MONDO:0015356.
Tuberous sclerosis 2 (TSC2). Identifiers: Orphanet 805, MedGen C1860707, MONDO:0013199, OMIM 613254.

gnomAD v4.1: 1 of 1,613,012 alleles (0.000062%); highest among the groups gnomAD compares: Non-Finnish European, 0.000085%; no homozygotes.

Submissions (3):

Ambry Genetics
Classification: Likely benign for Hereditary cancer-predisposing syndrome. Last evaluated: 2026-05-15. Review status: criteria provided, single submitter. Criteria: Ambry Variant Classification Scheme 2023. Collection method: clinical testing. Allele origin: germline.

Myriad Genetics, Inc.
Classification: Benign for Tuberous sclerosis 2. Last evaluated: 2025-05-27. Review status: criteria provided, single submitter. Criteria: Myriad Autosomal Dominant, Autosomal Recessive and X-Linked Classification Criteria (2023). Collection method: clinical testing. Allele origin: unknown.
Comment: This variant is considered benign. This variant is a silent/synonymous amino acid change and it is not expected to impact splicing.

Labcorp Genetics (formerly Invitae), Labcorp
Classification: Likely benign for Tuberous sclerosis 2. Last evaluated: 2019-12-15. Review status: criteria provided, single submitter. Criteria: Invitae Variant Classification Sherloc (09022015). Collection method: clinical testing. Allele origin: germline.

Literature cited by the submitters: PubMed 26703369 (cited by Ambry Genetics).

NM_000548.5(TSC2):c.2940C>T (p.Ile980=)

Gene: TSC2 (TSC complex subunit 2; plus strand). Cytogenetic location: 16p13.3.
Variant type: single nucleotide variant.
Coding change: c.2940C>T on transcript NM_000548.5 (MANE Select); coding-DNA position 2940, C replaced by T.
Protein change: p.Ile980=; no amino-acid change (isoleucine 980 retained).
Molecular consequence: synonymous variant. On other transcripts: intron variant (9).
Genome position (GRCh38, 1-based): chr16:2,077,700, C>T. VCF-style: chr16-2077700-C-T. GRCh37 (hg19) VCF-style: chr16-2127701-C-T.
Other names: c.2940C>T (NM_000548.3); c.2940C>T, p.Ile980= (NM_001114382.3); c.2837+1115C>T (NM_021055.3, NM_001370405.1, NM_001363528.2 and 2 more transcripts); c.2726+1115C>T (NM_001318827.2); c.2237+1115C>T (NM_001318831.2); c.2690+1115C>T (NM_001318829.2); c.2870+1115C>T (NM_001318832.2).
Identifiers: ClinVar variation 1097509 (VCV001097509.11), dbSNP rs2151416105, ClinGen allele CA492954970.